The following is an entry in ClinVar:

NM_001024630.4(RUNX2):c.1247del (p.Thr416fs)

Gene: RUNX2 (RUNX family transcription factor 2; plus strand). Cytogenetic location: 6p21.1.
Variant type: Deletion.
Coding change: c.1247del on transcript NM_001024630.4 (MANE Select); coding-DNA position 1247, one base deleted (C; older notation c.1247delC).
Protein change: p.Thr416fs; shifts the reading frame from threonine 416.
Molecular consequence: frameshift variant.
Genome position (GRCh38, 1-based): chr6:45,546,986, C deleted. VCF-style (leftmost placement, unchanged base first): chr6-45546985-AC-A. GRCh37 (hg19) VCF-style: chr6-45514722-AC-A.
Other names: c.1181del, p.Thr394fs (NM_001015051.4); c.1139del, p.Thr380fs (NM_001278478.2); c.1205del, p.Thr402fs (NM_001369405.1); short protein forms T402fs, T380fs, T416fs, T394fs.
Identifiers: ClinVar variation 4731995 (VCV004731995.1).

ClinVar aggregate classification (germline): Pathogenic (1 of 4 stars; one submission).

Submission:

Labcorp Genetics (formerly Invitae), Labcorp
Classification: Pathogenic. Last evaluated: 2025-11-25. Review status: criteria provided, single submitter. Criteria: Invitae Variant Classification Sherloc (09022015). Collection method: clinical testing. Allele origin: germline.
Comment: This sequence change creates a premature translational stop signal (p.Thr416Ilefs*68) in the RUNX2 gene. While this is not anticipated to result in nonsense mediated decay, it is expected to disrupt the last 106 amino acid(s) of the RUNX2 protein. This variant is not present in population databases (gnomAD no frequency). This variant has not been reported in the literature in individuals affected with RUNX2-related conditions. This variant disrupts a region of the RUNX2 protein in which other variant(s) (p.Asp463Argfs*27) have been determined to be pathogenic (PMID: 10521292, 20648631; internal data). This suggests that this is a clinically significant region of the protein, and that variants that disrupt it are likely to be disease-causing. For these reasons, this variant has been classified as Pathogenic.

Literature cited by the submitters: PubMed 10521292; PubMed 20648631.